The following is an entry in ClinVar:

ClinVar aggregate classification (germline): Uncertain significance (1 of 4 stars; one submission).

Conditions:
ALMS1-related disorder. Also called: ALMS1-related condition.

Submission:

PreventionGenetics, part of Exact Sciences
Classification: Uncertain significance for ALMS1-related condition. Last evaluated: 2024-12-02. Review status: criteria provided, single submitter. Criteria: ACMG Guidelines, 2015. Collection method: clinical testing. Allele origin: germline.
Comment: The ALMS1 c.9566C>A variant is predicted to result in the amino acid substitution p.Ser3189Tyr. To our knowledge, this variant has not been reported in the literature. This variant is reported in 0.0065% of alleles in individuals of African descent in gnomAD. At this time, the clinical significance of this variant is uncertain due to the absence of conclusive functional and genetic evidence.

NM_001378454.1(ALMS1):c.9563C>A (p.Pro3188Gln)

Gene: ALMS1 (ALMS1 centrosome and basal body associated protein; plus strand). Cytogenetic location: 2p13.1.
Variant type: single nucleotide variant.
Coding change: c.9563C>A on transcript NM_001378454.1 (MANE Select); coding-DNA position 9563, C replaced by A.
Protein change: p.Pro3188Gln; replaces proline 3188 with glutamine.
Molecular consequence: missense variant.
Genome position (GRCh38, 1-based): chr2:73,519,798, C>A. VCF-style: chr2-73519798-C-A. GRCh37 (hg19) VCF-style: chr2-73746925-C-A.
Other names: c.9566C>A, p.Pro3189Gln (NM_015120.4); short protein forms P3189Q, P3188Q.
Identifiers: ClinVar variation 4984678 (VCV004984678.1).